The following is an entry in ClinVar:

NM_001197104.2(KMT2A):c.2068dup (p.Met690fs)

Gene: KMT2A (lysine methyltransferase 2A; plus strand). Cytogenetic location: 11q23.3.
Variant type: Duplication.
Coding change: c.2068dup on transcript NM_001197104.2 (MANE Select); coding-DNA position 2068, one base duplicated (A; older notation c.2068dupA).
Protein change: p.Met690fs; shifts the reading frame from methionine 690.
Molecular consequence: frameshift variant.
Genome position (GRCh38, 1-based): chr11:118,473,227, A duplicated. VCF-style (leftmost placement, unchanged base first): chr11-118473226-T-TA. GRCh37 (hg19) VCF-style: chr11-118343941-T-TA.
Other names: c.2068dup, p.Met690fs (NM_005933.4); c.2068dupA (NM_001197104.1); short protein forms M690fs.
Identifiers: ClinVar variation 452669 (VCV000452669.2), dbSNP rs1555036328, ClinGen allele CA658658108.

ClinVar aggregate classification (germline): Pathogenic (1 of 4 stars; one submission).

Submission:

GeneDx
Classification: Pathogenic. Last evaluated: 2017-10-12. Review status: criteria provided, single submitter. Criteria: GeneDx Variant Classification (06012015). Collection method: clinical testing. Allele origin: germline. Affected: yes.
Comment: The c.2068dupA variant in the KMT2A gene has not been reported previously as a pathogenic variant nor as a benign variant, to our knowledge. This variant causes a frameshift starting with codon Methionine 690, changes this amino acid to an Asparagine residue, and creates a premature Stop codon at position 17 of the new reading frame, denoted p.Met690AsnfsX17. This variant is predicted to cause loss of normal protein function either through protein truncation or nonsense-mediated mRNA decay. The c.2068dupA variant is not observed in large population cohorts (Lek et al., 2016). We interpret c.2068dupA as a pathogenic variant.